The following is an entry in ClinVar:

ClinVar aggregate classification (germline): Likely benign. Review status: criteria provided, multiple submitters, no conflicts (2 of 4 stars). 2 submissions from 2 submitters: Likely benign (2). Last evaluated 2023-11-17.

Conditions:
Spastic paraplegia. Identifiers: MedGen C0037772, HP:0001258.

Allele frequency attached by ClinVar (database versions not stated): TOPMed below 0.00001.

Submissions (2):

Labcorp Genetics (formerly Invitae), Labcorp
Classification: Likely benign for Spastic paraplegia. Last evaluated: 2023-11-17. Review status: criteria provided, single submitter. Criteria: Invitae Variant Classification Sherloc (09022015). Collection method: clinical testing. Allele origin: germline.

CeGaT Center for Human Genetics Tuebingen
Classification: Likely benign. Last evaluated: 2022-03-01. Review status: criteria provided, single submitter. Criteria: CeGaT Center For Human Genetics Tuebingen Variant Classification Criteria Version 2. Collection method: clinical testing. Allele origin: germline. Affected: yes. Observed: 1 variant allele.
Comment: SACS: BP4, BP7

NM_014363.6(SACS):c.921G>A (p.Leu307=)

Gene: SACS (sacsin molecular chaperone; minus strand). Cytogenetic location: 13q12.12.
Variant type: single nucleotide variant.
Coding change: c.921G>A on transcript NM_014363.6 (MANE Select); coding-DNA position 921, G replaced by A.
Protein change: p.Leu307=; no amino-acid change (leucine 307 retained).
Molecular consequence: synonymous variant.
Genome position (GRCh38, 1-based): chr13:23,355,691, C>T on the plus strand (G>A on the coding strand, the complement: SACS is on the minus strand). VCF-style: chr13-23355691-C-T. GRCh37 (hg19) VCF-style: chr13-23929830-C-T.
Other names: c.480G>A, p.Leu160= (NM_001278055.2).
Identifiers: ClinVar variation 1115898 (VCV001115898.32), dbSNP rs1870332993, ClinGen allele CA483164684.